The following is an entry in ClinVar:

ClinVar aggregate classification (germline): Pathogenic (1 of 4 stars; one submission).

Conditions:
Episodic ataxia type 2 (EA2). Also called: ACETAZOLAMIDE-RESPONSIVE HEREDITARY PAROXYSMAL CEREBELLAR ATAXIA; ATAXIA, EPISODIC, WITH NYSTAGMUS; ATAXIA, FAMILIAL PAROXYSMAL; CEREBELLAR ATAXIA, PAROXYSMAL, ACETAZOLAMIDE-RESPONSIVE; CEREBELLOPATHY, HEREDITARY PAROXYSMAL; EPISODIC ATAXIA, NYSTAGMUS-ASSOCIATED. Identifiers: Orphanet 97, MedGen C1720416, MONDO:0007163, OMIM 108500.
Developmental and epileptic encephalopathy, 42 (DEE42A). Also called: Epileptic encephalopathy, early infantile, 42; DEVELOPMENTAL AND EPILEPTIC ENCEPHALOPATHY 42A; EPILEPTIC ENCEPHALOPATHY, EARLY INFANTILE, 42A. Identifiers: MedGen C4310716, MONDO:0014917, OMIM 617106.

Submission:

Labcorp Genetics (formerly Invitae), Labcorp
Classification: Pathogenic for Developmental and epileptic encephalopathy, 42; Episodic ataxia type 2. Last evaluated: 2026-01-21. Review status: criteria provided, single submitter. Criteria: Invitae Variant Classification Sherloc (09022015). Collection method: clinical testing. Allele origin: germline.
Comment: This sequence change creates a premature translational stop signal (p.Arg55Serfs*20) in the CACNA1A gene. It is expected to result in an absent or disrupted protein product. Loss-of-function variants in CACNA1A are known to be pathogenic (PMID: 10371528, 19486177, 25735478, 27250579). This variant is not present in population databases (gnomAD no frequency). This variant has not been reported in the literature in individuals affected with CACNA1A-related conditions. For these reasons, this variant has been classified as Pathogenic.

Literature cited by the submitters: PubMed 10371528; PubMed 19486177; PubMed 25735478; PubMed 27250579.

NM_001127222.2(CACNA1A):c.165_166del (p.Arg55fs)

Gene: CACNA1A (calcium voltage-gated channel subunit alpha1 A; minus strand). Cytogenetic location: 19p13.13.
Variant type: Microsatellite.
Coding change: c.165_166del on transcript NM_001127222.2 (MANE Select); coding-DNA positions 165 to 166, 2 bases deleted (AG; older notation c.165_166delAG).
Protein change: p.Arg55fs; shifts the reading frame from arginine 55.
Molecular consequence: frameshift variant.
Genome position (GRCh38, 1-based): chr19:13,506,059-13,506,060, CT deleted on the plus strand (AG on the coding strand, the reverse complement: CACNA1A is on the minus strand); deleting any 2 consecutive bases within chr19:13,506,059-13,506,064 gives the same sequence; the c. name uses the placement nearest the transcript's 3' end. VCF-style (leftmost placement, unchanged base first): chr19-13506058-GCT-G. GRCh37 (hg19) VCF-style: chr19-13616872-GCT-G.
Other names: c.165_166del, p.Arg55fs (NM_000068.4, NM_001127221.2, NM_001174080.2 and 1 more transcripts); short protein forms R55fs.
Identifiers: ClinVar variation 4787333 (VCV004787333.1).